The following is an entry in ClinVar:

NM_018972.4(GDAP1):c.1014G>A (p.Met338Ile)

Gene: GDAP1 (ganglioside induced differentiation associated protein 1; plus strand). Cytogenetic location: 8q21.11.
Variant type: single nucleotide variant.
Coding change: c.1014G>A on transcript NM_018972.4 (MANE Select); coding-DNA position 1014, G replaced by A.
Protein change: p.Met338Ile; replaces methionine 338 with isoleucine.
Molecular consequence: missense variant. On other transcripts: intron variant (1).
Genome position (GRCh38, 1-based): chr8:74,364,304, G>A. VCF-style: chr8-74364304-G-A. GRCh37 (hg19) VCF-style: chr8-75276539-G-A.
Other names: c.810G>A, p.Met270Ile (NM_001040875.4); c.687G>A, p.Met229Ile (NM_001362929.2, NM_001362932.2); c.840G>A, p.Met280Ile (NM_001362930.2); c.694+1251G>A (NM_001362931.2); short protein forms M229I, M270I, M338I, M280I.
Identifiers: ClinVar variation 1740007 (VCV001740007.5), dbSNP rs759748392, ClinGen allele CA4785227.

ClinVar aggregate classification (germline): Uncertain significance. Review status: criteria provided, multiple submitters, no conflicts (2 of 4 stars). 2 submissions from 2 submitters: Uncertain significance (2). Last evaluated 2024-10-17.

Conditions:
Inborn genetic diseases. Identifiers: MedGen C0950123, MeSH D030342.
Charcot-Marie-Tooth disease type 4A. Also called: Charcot-Marie-Tooth disease, demyelinating, autosomal recessive, type 4a. Identifiers: Orphanet 99948, MedGen C1859198, MONDO:0008961, OMIM 214400.

Allele frequency attached by ClinVar (database versions not stated): gnomAD 0.00001; ExAC 0.00002.

Submissions (2):

Labcorp Genetics (formerly Invitae), Labcorp
Classification: Uncertain significance for Charcot-Marie-Tooth disease type 4A. Last evaluated: 2024-10-17. Review status: criteria provided, single submitter. Criteria: Invitae Variant Classification Sherloc (09022015). Collection method: clinical testing. Allele origin: germline.
Comment: This sequence change replaces methionine, which is neutral and non-polar, with isoleucine, which is neutral and non-polar, at codon 338 of the GDAP1 protein (p.Met338Ile). This variant is present in population databases (rs759748392, gnomAD 0.008%). This missense change has been observed in individual(s) with clinical features of Charcot-Marie-Tooth disease (PMID: 32376792). ClinVar contains an entry for this variant (Variation ID: 1740007). Invitae Evidence Modeling of protein sequence and biophysical properties (such as structural, functional, and spatial information, amino acid conservation, physicochemical variation, residue mobility, and thermodynamic stability) indicates that this missense variant is not expected to disrupt GDAP1 protein function with a negative predictive value of 80%. In summary, the available evidence is currently insufficient to determine the role of this variant in disease. Therefore, it has been classified as a Variant of Uncertain Significance.

Ambry Genetics
Classification: Uncertain significance for Inborn genetic diseases. Last evaluated: 2020-03-24. Review status: criteria provided, single submitter. Criteria: Ambry Variant Classification Scheme 2023. Collection method: clinical testing. Allele origin: germline.
Comment: The p.M338I variant (also known as c.1014G>A), located in coding exon 6 of the GDAP1 gene, results from a G to A substitution at nucleotide position 1014. The methionine at codon 338 is replaced by isoleucine, an amino acid with highly similar properties. This amino acid position is not well conserved in available vertebrate species. In addition, the in silico prediction for this alteration is inconclusive. Since supporting evidence is limited at this time, the clinical significance of this alteration remains unclear.

Literature cited by the submitters: PubMed 32376792 (cited by Labcorp Genetics (formerly Invitae), Labcorp).